The following is an entry in ClinVar:

ClinVar aggregate classification (germline): Uncertain significance (1 of 4 stars; one submission).

gnomAD v4.1: 3 of 1,614,244 alleles (0.00019%); highest among the groups gnomAD compares: Non-Finnish European, 0.00025%; no homozygotes.

Submission:

Labcorp Genetics (formerly Invitae), Labcorp
Classification: Uncertain significance. Last evaluated: 2025-04-24. Review status: criteria provided, single submitter. Criteria: Invitae Variant Classification Sherloc (09022015). Collection method: clinical testing. Allele origin: germline.
Comment: This sequence change replaces serine, which is neutral and polar, with threonine, which is neutral and polar, at codon 544 of the IRF2BP2 protein (p.Ser544Thr). The frequency data for this variant in the population databases is considered unreliable, as metrics indicate poor data quality at this position in the gnomAD database. This variant has not been reported in the literature in individuals affected with IRF2BP2-related conditions. An algorithm developed to predict the effect of missense changes on protein structure and function (PolyPhen-2) suggests that this variant is likely to be disruptive. In summary, the available evidence is currently insufficient to determine the role of this variant in disease. Therefore, it has been classified as a Variant of Uncertain Significance.

NM_182972.3(IRF2BP2):c.1631G>C (p.Ser544Thr)

Gene: IRF2BP2 (interferon regulatory factor 2 binding protein 2; minus strand). Cytogenetic location: 1q42.3.
Variant type: single nucleotide variant.
Coding change: c.1631G>C on transcript NM_182972.3 (MANE Select); coding-DNA position 1631, G replaced by C.
Protein change: p.Ser544Thr; replaces serine 544 with threonine.
Molecular consequence: missense variant.
Genome position (GRCh38, 1-based): chr1:234,607,270, C>G on the plus strand (G>C on the coding strand, the complement: IRF2BP2 is on the minus strand). VCF-style: chr1-234607270-C-G. GRCh37 (hg19) VCF-style: chr1-234743016-C-G.
Other names: c.1583G>C, p.Ser528Thr (NM_001077397.1); short protein forms S528T, S544T.
Identifiers: ClinVar variation 4718296 (VCV004718296.1).